The following is an entry in ClinVar:

NM_001048174.2(MUTYH):c.1484G>C (p.Arg495Pro)

Gene: MUTYH (mutY DNA glycosylase; minus strand). Cytogenetic location: 1p34.1.
Variant type: single nucleotide variant.
Coding change: c.1484G>C on transcript NM_001048174.2 (MANE Select); coding-DNA position 1484, G replaced by C.
Protein change: p.Arg495Pro; replaces arginine 495 with proline.
Molecular consequence: missense variant. On other transcripts: non-coding transcript variant (2).
Genome position (GRCh38, 1-based): chr1:45,329,388, C>G on the plus strand (G>C on the coding strand, the complement: MUTYH is on the minus strand). VCF-style: chr1-45329388-C-G. GRCh37 (hg19) VCF-style: chr1-45795060-C-G.
Other names: c.1484G>C, p.Arg495Pro (NM_001048171.2, NM_001048173.2, NM_001293195.2); c.1487G>C, p.Arg496Pro (NM_001048172.2); c.1568G>C, p.Arg523Pro (NM_001128425.2); c.1529G>C, p.Arg510Pro (NM_001293190.2); c.1517G>C, p.Arg506Pro (NM_001293191.2); c.1208G>C, p.Arg403Pro (NM_001293192.2, NM_001293196.2); c.1139G>C, p.Arg380Pro (NM_001350650.2, NM_001350651.2); c.1559G>C, p.Arg520Pro (NM_012222.3); short protein forms R510P, R520P, R380P, R403P, R495P, R496P, R506P, R523P.
Identifiers: ClinVar variation 1431121 (VCV001431121.10), dbSNP rs374655042, ClinGen allele CA340131767.

ClinVar aggregate classification (germline): Conflicting classifications of pathogenicity. Review status: criteria provided, conflicting classifications (1 of 4 stars). 2 submissions from 2 submitters: Uncertain significance (1); Benign (1). Last evaluated 2025-10-24.

Conditions:
Familial adenomatous polyposis 2. Also called: COLORECTAL ADENOMATOUS POLYPOSIS, AUTOSOMAL RECESSIVE; ADENOMAS, MULTIPLE COLORECTAL, AUTOSOMAL RECESSIVE; MUTYH-associated polyposis; MUTYH Polyposis; Adenomas, multiple colorectal; MUTYH-related attenuated familial adenomatous polyposis. Identifiers: Orphanet 220460, Orphanet 247798, MedGen C3272841, MONDO:0012041, OMIM 608456.
Hereditary cancer-predisposing syndrome. Also called: Hereditary Cancer Syndrome; Neoplastic Syndromes, Hereditary; Hereditary neoplastic syndrome; Tumor predisposition. Identifiers: Orphanet 140162, MedGen C0027672, MeSH D009386, MONDO:0015356.

Allele frequency attached by ClinVar (database versions not stated): TOPMed below 0.00001.

Submissions (2):

Labcorp Genetics (formerly Invitae), Labcorp
Classification: Uncertain significance for Familial adenomatous polyposis 2. Last evaluated: 2025-10-24. Review status: criteria provided, single submitter. Criteria: Invitae Variant Classification Sherloc (09022015). Collection method: clinical testing. Allele origin: germline.
Comment: This sequence change replaces arginine, which is basic and polar, with proline, which is neutral and non-polar, at codon 523 of the MUTYH protein (p.Arg523Pro). This variant is not present in population databases (gnomAD no frequency). This variant has not been reported in the literature in individuals affected with MUTYH-related conditions. ClinVar contains an entry for this variant (Variation ID: 1431121). An algorithm developed to predict the effect of missense changes on protein structure and function (PolyPhen-2) suggests that this variant is likely to be tolerated. In summary, the available evidence is currently insufficient to determine the role of this variant in disease. Therefore, it has been classified as a Variant of Uncertain Significance.

Ambry Genetics
Classification: Benign for Hereditary cancer-predisposing syndrome. Last evaluated: 2025-09-09. Review status: criteria provided, single submitter. Criteria: Ambry Variant Classification Scheme 2023. Collection method: clinical testing. Allele origin: germline.